The following is an entry in ClinVar:

ClinVar aggregate classification (germline): Conflicting classifications of pathogenicity. Review status: criteria provided, conflicting classifications (1 of 4 stars). 3 submissions from 3 submitters: Uncertain significance (1); Likely benign (2). Last evaluated 2024-06-13.

Conditions:
Hereditary cancer-predisposing syndrome. Also called: Tumor predisposition; Hereditary neoplastic syndrome; Neoplastic Syndromes, Hereditary; Hereditary Cancer Syndrome. Identifiers: Orphanet 140162, MedGen C0027672, MeSH D009386, MONDO:0015356.
Familial cancer of breast. Also called: Hereditary breast cancer; BREAST CANCER, FAMILIAL; hereditary breast carcinoma. Identifiers: Orphanet 227535, MedGen C0346153, MONDO:0016419, OMIM 114480. Disease mechanism: loss of function.
Ataxia-telangiectasia syndrome (AT). Also called: Ataxia-telangiectasia, complementation group D; AT, COMPLEMENTATION GROUP C; ATAXIA-TELANGIECTASIA, COMPLEMENTATION GROUP A; ATAXIA-TELANGIECTASIA, FRESNO VARIANT; Ataxia-telangiectasia; LOUIS-BAR SYNDROME. Identifiers: Orphanet 100, MedGen C0004135, MONDO:0008840, OMIM 208900.

Allele frequency attached by ClinVar (database versions not stated): gnomAD exomes below 0.00001.
gnomAD v4.1: 1 of 1,612,362 alleles (0.000062%); highest among the groups gnomAD compares: Non-Finnish European, 0.000085%; no homozygotes.

Submissions (3):

Myriad Genetics, Inc.
Classification: Likely benign for Familial cancer of breast. Last evaluated: 2024-06-13. Review status: criteria provided, single submitter. Criteria: Myriad Autosomal Dominant, Autosomal Recessive and X-Linked Classification Criteria (2023). Collection method: clinical testing. Allele origin: unknown.
Comment: This variant is considered likely benign. This variant is intronic and is not expected to impact mRNA splicing.

Labcorp Genetics (formerly Invitae), Labcorp
Classification: Likely benign for Ataxia-telangiectasia syndrome. Last evaluated: 2023-02-23. Review status: criteria provided, single submitter. Criteria: Invitae Variant Classification Sherloc (09022015). Collection method: clinical testing. Allele origin: germline.

Color Diagnostics, LLC DBA Color Health
Classification: Uncertain significance for Hereditary cancer-predisposing syndrome. Last evaluated: 2018-07-21. Review status: criteria provided, single submitter. Criteria: ACMG Guidelines, 2015. Collection method: clinical testing. Allele origin: germline.

NM_000051.4(ATM):c.7308-11T>C

Genes: ATM (ATM serine/threonine kinase; plus strand), C11orf65 (chromosome 11 open reading frame 65; minus strand). Cytogenetic location: 11q22.3.
Variant type: single nucleotide variant.
Coding change: c.7308-11T>C on transcript NM_000051.4 (MANE Select); 11 bases into the intron before coding-DNA position 7308, T replaced by C.
Molecular consequence: intron variant.
Genome position (GRCh38, 1-based): chr11:108,330,203, T>C. VCF-style: chr11-108330203-T-C. GRCh37 (hg19) VCF-style: chr11-108200930-T-C.
Other names: c.7308-11T>C (NM_001351834.2); c.641-21132A>G (NM_001330368.2); c.*38+5017A>G (NM_001351110.2).
Identifiers: ClinVar variation 631216 (VCV000631216.8), dbSNP rs1565529149, ClinGen allele CA913188476.
Genomic context (GRCh38, chr11:108,330,203, plus strand): 5'-TATCATGTGTGATTTTGTAGTTCTGTTAAAGTTCATGGCTTTTGTGTTTTACCTTAATTA[T>C]TCTATGCAAGATACACAGTAAAGGTTCAGCGAGAGCTGGAGTTGGATGAATTAGCCCTGC-3'